The following is an entry in ClinVar:

ClinVar aggregate classification (germline): Uncertain significance (1 of 4 stars; one submission).

Submission:

Labcorp Genetics (formerly Invitae), Labcorp
Classification: Uncertain significance. Last evaluated: 2022-06-14. Review status: criteria provided, single submitter. Criteria: Invitae Variant Classification Sherloc (09022015). Collection method: clinical testing. Allele origin: germline.
Comment: This sequence change affects codon 369 of the ITPR1 mRNA. It is a 'silent' change, meaning that it does not change the encoded amino acid sequence of the ITPR1 protein. It affects a nucleotide within the consensus splice site. This variant is not present in population databases (gnomAD no frequency). This variant has not been reported in the literature in individuals affected with ITPR1-related conditions. Algorithms developed to predict the effect of sequence changes on RNA splicing suggest that this variant is not likely to affect RNA splicing. In summary, the available evidence is currently insufficient to determine the role of this variant in disease. Therefore, it has been classified as a Variant of Uncertain Significance.

NM_001378452.1(ITPR1):c.1152G>A (p.Arg384=)

Gene: ITPR1 (inositol 1,4,5-trisphosphate receptor type 1; plus strand). Cytogenetic location: 3p26.1.
Variant type: single nucleotide variant.
Coding change: c.1152G>A on transcript NM_001378452.1 (MANE Select); coding-DNA position 1152, G replaced by A.
Protein change: p.Arg384=; no amino-acid change (arginine 384 retained).
Molecular consequence: synonymous variant.
Genome position (GRCh38, 1-based): chr3:4,660,988, G>A. VCF-style: chr3-4660988-G-A. GRCh37 (hg19) VCF-style: chr3-4702672-G-A.
Other names: c.1152G>A, p.Arg384= (NM_001099952.4); c.1107G>A, p.Arg369= (NM_001168272.2, NM_002222.7).
Identifiers: ClinVar variation 2006447 (VCV002006447.4), dbSNP rs2470695037, ClinGen allele CA432308211.